The following is an entry in ClinVar:

NM_032387.5(WNK4):c.1238T>C (p.Ile413Thr)

Gene: WNK4 (WNK lysine deficient protein kinase 4; plus strand). Cytogenetic location: 17q21.2.
Variant type: single nucleotide variant.
Coding change: c.1238T>C on transcript NM_032387.5 (MANE Select); coding-DNA position 1238, T replaced by C.
Protein change: p.Ile413Thr; replaces isoleucine 413 with threonine.
Molecular consequence: missense variant. On other transcripts: intron variant (1).
Genome position (GRCh38, 1-based): chr17:42,785,164, T>C. VCF-style: chr17-42785164-T-C. GRCh37 (hg19) VCF-style: chr17-40937182-T-C.
Other names: c.252-102T>C (NM_001321299.2); short protein forms I413T.
Identifiers: ClinVar variation 4707464 (VCV004707464.1).
Genomic context (GRCh38, chr17:42,785,164, plus strand): 5'-AGCCGAACAGCTTCCACAAGGTGAAGATACCCGAGGTGAAGGAGATCATTGAAGGCTGCA[T>C]CCGCACGGATAAGAACGAGAGGTGGGGGTGAAAGGGCAGAGCGTGGGTAGAATAGGGCCG-3'
Protein context (NP_115763.2, residues 403-423): PEVKEIIEGC[Ile413Thr]RTDKNERFTI

ClinVar aggregate classification (germline): Uncertain significance (1 of 4 stars; one submission).

Submission:

Labcorp Genetics (formerly Invitae), Labcorp
Classification: Uncertain significance. Last evaluated: 2025-09-28. Review status: criteria provided, single submitter. Criteria: Invitae Variant Classification Sherloc (09022015). Collection method: clinical testing. Allele origin: germline.
Comment: This sequence change replaces isoleucine, which is neutral and non-polar, with threonine, which is neutral and polar, at codon 413 of the WNK4 protein (p.Ile413Thr). This variant is not present in population databases (gnomAD no frequency). This variant has not been reported in the literature in individuals affected with WNK4-related conditions. Experimental studies and prediction algorithms are not available or were not evaluated, and the functional significance of this variant is currently unknown. In summary, the available evidence is currently insufficient to determine the role of this variant in disease. Therefore, it has been classified as a Variant of Uncertain Significance.